The following is an entry in ClinVar:

ClinVar aggregate classification (germline): Uncertain significance (1 of 4 stars; one submission).

Conditions:
Lowe syndrome (OCRL). Also called: LOWE OCULOCEREBRORENAL SYNDROME; PHOSPHATIDYLINOSITOL 4,5-BISPHOSPHATE 5-PHOSPHATASE DEFICIENCY; Oculocerebrorenal Syndrome. Identifiers: Orphanet 534, MedGen C0028860, MONDO:0010645, OMIM 309000.

Allele frequency attached by ClinVar (database versions not stated): ExAC 0.00001; gnomAD exomes 0.00001; gnomAD 0.00002; TOPMed 0.00002; ESP Exome Variant Server 0.00009; 1000 Genomes Project 30x 0.00021.
gnomAD v4.1: 5 of 1,169,348 alleles (0.00043%); highest among the groups gnomAD compares: African/African-American, 0.0071%; no homozygotes.

Submission:

Labcorp Genetics (formerly Invitae), Labcorp
Classification: Uncertain significance for Lowe syndrome. Last evaluated: 2024-05-21. Review status: criteria provided, single submitter. Criteria: Invitae Variant Classification Sherloc (09022015). Collection method: clinical testing. Allele origin: germline.
Comment: This sequence change falls in intron 5 of the OCRL gene. It does not directly change the encoded amino acid sequence of the OCRL protein. This variant is not present in population databases (gnomAD no frequency). This variant has not been reported in the literature in individuals affected with OCRL-related conditions. Algorithms developed to predict the effect of sequence changes on RNA splicing suggest that this variant may disrupt the consensus splice site. In summary, the available evidence is currently insufficient to determine the role of this variant in disease. Therefore, it has been classified as a Variant of Uncertain Significance.

NM_000276.4(OCRL):c.350-6C>G

Gene: OCRL (OCRL inositol polyphosphate-5-phosphatase; plus strand). Cytogenetic location: Xq26.1.
Variant type: single nucleotide variant.
Coding change: c.350-6C>G on transcript NM_000276.4 (MANE Select); 6 bases into the intron before coding-DNA position 350, C replaced by G.
Molecular consequence: intron variant.
Genome position (GRCh38, 1-based): chrX:129,557,855, C>G. VCF-style: chrX-129557855-C-G. GRCh37 (hg19) VCF-style: chrX-128691832-C-G.
Other names: c.353-6C>G (NM_001318784.2); c.350-6C>G (NM_001587.4).
Identifiers: ClinVar variation 2901275 (VCV002901275.3), dbSNP rs373736434, ClinGen allele CA10512007.
Genomic context (GRCh38, chrX:129,557,855, plus strand): 5'-TGGCTATAGTAAATTCTACTCAGTGAAAGACTTCCCAGTTTCTGACCATGAACCTTATCT[C>G]TCTAGCTCAGTCACAGCTTCTTGTTCCAGAGCAAAAGGACTCATCTAGCTGGTACCAGAA-3'